The following is an entry in ClinVar:

NM_052947.4(ALPK2):c.2554T>A (p.Leu852Ile)

Gene: ALPK2 (alpha kinase 2; minus strand). Cytogenetic location: 18q21.31.
Variant type: single nucleotide variant.
Coding change: c.2554T>A on transcript NM_052947.4 (MANE Select); coding-DNA position 2554, T replaced by A.
Protein change: p.Leu852Ile; replaces leucine 852 with isoleucine.
Molecular consequence: missense variant.
Genome position (GRCh38, 1-based): chr18:58,537,633, A>T on the plus strand (T>A on the coding strand, the complement: ALPK2 is on the minus strand). VCF-style: chr18-58537633-A-T. GRCh37 (hg19) VCF-style: chr18-56204865-A-T.
Other names: short protein forms L852I.
Identifiers: ClinVar variation 2497261 (VCV002497261.2), dbSNP rs2518877530, ClinGen allele CA402570282.

ClinVar aggregate classification (germline): Uncertain significance (1 of 4 stars; one submission).

Submission:

Ambry Genetics
Classification: Uncertain significance. Last evaluated: 2022-11-12. Review status: criteria provided, single submitter. Criteria: Ambry Variant Classification Scheme 2023. Collection method: clinical testing. Allele origin: germline.
Comment: The p.L852I variant (also known as c.2554T>A), located in coding exon 4 of the ALPK2 gene, results from a T to A substitution at nucleotide position 2554. The leucine at codon 852 is replaced by isoleucine, an amino acid with highly similar properties. This amino acid position is conserved. In addition, this alteration is predicted to be tolerated by in silico analysis. Since supporting evidence is limited at this time, the clinical significance of this alteration remains unclear.